The following is an entry in ClinVar:

ClinVar aggregate classification (germline): Pathogenic/Likely pathogenic. Review status: criteria provided, multiple submitters, no conflicts (2 of 4 stars). 10 submissions from 10 submitters: Pathogenic (5); Likely pathogenic (3). 2 of the submissions do not count toward it. Last evaluated 2026-03-10.

Conditions:
Retinitis pigmentosa 80 (RP80). Identifiers: MedGen C4540439, MONDO:0054708, OMIM 617781.
Saldino-Mainzer syndrome (SRTD9). Also called: CONORENAL SYNDROME; short-rib thoracic dysplasia 9 with or without polydactyly; Renal dysplasia, retinal pigmentary dystrophy, cerebellar ataxia and skeletal dysplasia; SHORT-RIB THORACIC DYSPLASIA 9 WITHOUT POLYDACTYLY. Identifiers: Orphanet 140969, MedGen C1849437, MONDO:0009964, OMIM 266920.
Retinitis pigmentosa (RP). Identifiers: Orphanet 791, MedGen C0035334, MeSH D012174, MONDO:0019200, OMIM 268000. Inheritance: Autosomal dominant, autosomal recessive and X linked inheritance.
IFT140-related disorders.
IFT140-related disorder. Also called: IFT140-related condition.
Inborn genetic diseases. Identifiers: MedGen C0950123, MeSH D030342.
Jeune thoracic dystrophy. Also called: Short-rib thoracic dysplasia; Jeune syndrome; Infantile thoracic dystrophy; Thoracic pelvic phalangeal dystrophy; Jeune's syndrome; Chondroectodermal dysplasia-like syndrome. Identifiers: Orphanet 474, MedGen C0265275, MONDO:0018770.

Allele frequency attached by ClinVar (database versions not stated): ExAC 0.00002; gnomAD exomes 0.00004 and 0.00012; gnomAD 0.00006; TOPMed 0.00009.
gnomAD v4.1: 184 of 1,610,716 alleles (0.011%); highest among the groups gnomAD compares: Non-Finnish European, 0.015%; no homozygotes.

Submissions (11):

PreventionGenetics, part of Exact Sciences
Classification: Pathogenic for IFT140-related condition. Last evaluated: 2026-03-10. Review status: criteria provided, single submitter. Criteria: ACMG Guidelines, 2015. Collection method: clinical testing. Allele origin: germline.
Comment: The IFT140 c.1010-1G>A variant is predicted to disrupt the AG splice acceptor site and interfere with normal splicing. This variant was reported in an individual with autosomal recessive asphyxiating thoracic dystrophy (ATD) (Table S2, Zhang et al. 2018. PubMed ID: 29068549). In addition, this variant in the heterozygous state was also reported in individuals with the autosomal dominant polycystic kidney-spectrum phenotype (Senum et al. 2022. PubMed ID: 34890546). This variant is reported in 0.0086% of alleles in individuals of European (Non-Finnish) descent in gnomAD. Variants that disrupt the consensus splice acceptor site in IFT140 are expected to be pathogenic. This variant is interpreted as pathogenic for both autosomal dominant and recessive IFT140-related disorders.

Labcorp Genetics (formerly Invitae), Labcorp
Classification: Pathogenic for Saldino-Mainzer syndrome. Last evaluated: 2025-10-09. Review status: criteria provided, single submitter. Criteria: Invitae Variant Classification Sherloc (09022015). Collection method: clinical testing. Allele origin: germline.
Comment: This sequence change affects an acceptor splice site in intron 9 of the IFT140 gene. It is expected to disrupt RNA splicing. Variants that disrupt the donor or acceptor splice site typically lead to a loss of protein function (PMID: 16199547), and loss-of-function variants in IFT140 are known to be pathogenic (PMID: 22503633, 23418020, 24009529, 26216056). This variant is present in population databases (rs770185023, gnomAD 0.008%). Disruption of this splice site has been observed in individual(s) with asphyxiating thoracic dystrophy (PMID: 29068549). In at least one individual the data is consistent with being in trans (on the opposite chromosome) from a pathogenic variant. ClinVar contains an entry for this variant (Variation ID: 280884). Algorithms developed to predict the effect of sequence changes on RNA splicing suggest that this variant may disrupt the consensus splice site. For these reasons, this variant has been classified as Pathogenic.

Ambry Genetics
Classification: Pathogenic for Inborn genetic diseases. Last evaluated: 2025-03-28. Review status: criteria provided, single submitter. Criteria: Ambry Variant Classification Scheme 2023. Collection method: clinical testing. Allele origin: germline.
Comment: The c.1010-1G>A intronic variant results from a G to A substitution one nucleotide before exon 10 (coding exon 8) of the IFT140 gene. Alterations that disrupt the canonical splice site are expected to cause aberrant splicing, resulting in an abnormal protein or a transcript that is subject to nonsense-mediated mRNA decay. Based on data from gnomAD, the A allele has an overall frequency of 0.004% (11/279352) total alleles studied. The highest observed frequency was 0.009% (11/127538) of European (non-Finnish) alleles. This variant has been identified in conjunction with other IFT140 variants in individuals with features consistent with asphyxiating thoracic dystrophy (also known as Jeune syndrome) and IFT140-related ciliopathies; in at least one instance, the variants were identified in trans (Zhang, 2018; Hyder, 2021). This variant has also been reported in individuals with features consistent with autosomal dominant polycystic kidney disease (Senum, 2022; Dahl, 2023; Clark, 2024; Zagorec, 2024). This nucleotide position is highly conserved in available vertebrate species. RNA studies have demonstrated that this alteration results in abnormal splicing in the set of samples tested (Ambry internal data). In silico splice site analysis predicts that this alteration will weaken the native splice acceptor site and will result in the creation or strengthening of a novel splice acceptor site. Based on the available evidence, this alteration is classified as pathogenic.

Blueprint Genetics
Classification: Likely pathogenic for IFT140-related disorders. Last evaluated: 2024-07-25. Review status: criteria provided, single submitter. Criteria: ACMG Guidelines, 2015. Collection method: clinical testing. Allele origin: germline. Affected: yes. Observed: 5 variant alleles.

Fulgent Genetics
Classification: Likely pathogenic for Saldino-Mainzer syndrome; Retinitis pigmentosa 80. Last evaluated: 2024-02-17. Review status: criteria provided, single submitter. Criteria: ACMG Guidelines, 2015. Collection method: clinical testing. Allele origin: germline.

Women's Health and Genetics/Laboratory Corporation of America, LabCorp
Classification: Likely pathogenic for Retinitis pigmentosa. Last evaluated: 2023-02-17. Review status: criteria provided, single submitter. Criteria: LabCorp Variant Classification Summary - May 2015. Collection method: clinical testing. Allele origin: germline.
Comment: Variant summary: IFT140 c.1010-1G>A is located in a canonical splice-site and is predicted to affect mRNA splicing resulting in a significantly altered protein due to either exon skipping, shortening, or inclusion of intronic material. Several computational tools predict a significant impact on normal splicing: Four predict the variant abolishes the canonical 3' acceptor site. However, these predictions have yet to be confirmed by functional studies. The variant allele was found at a frequency of 3.6e-05 in 247956 control chromosomes (gnomAD). c.1010-1G>A has been reported in the literature in individuals affected with asphyxiating thoracic dystrophy and craniosynostosis (examples: Zhang_2018 and Hyder_2021). These data indicate that the variant may be associated with disease. To our knowledge, no experimental evidence demonstrating an impact on protein function has been reported. Five clinical diagnostic laboratories have submitted clinical-significance assessments for this variant to ClinVar after 2014 and all classified the variant as pathogenic. Based on the evidence outlined above, the variant was classified as likely pathogenic.

GeneDx
Classification: Pathogenic. Last evaluated: 2022-03-30. Review status: criteria provided, single submitter. Criteria: GeneDx Variant Classification Process June 2021. Collection method: clinical testing. Allele origin: germline. Affected: yes.
Comment: Canonical splice site variant predicted to result in a null allele in a gene for which loss of function is a known mechanism of disease; This variant is associated with the following publications: (PMID: 31589614, 34890546, 29068549)

Ocular Genomics Institute, Massachusetts Eye and Ear
Classification: Pathogenic for Retinitis pigmentosa 80. Last evaluated: 2021-04-08. Review status: criteria provided, single submitter. Criteria: ACMG Guidelines, 2015. Collection method: research. Allele origin: germline. Affected: yes.
Comment: Through a review of available evidence we were able to apply the following criteria: PVS1, PM2, PM3, PP3. Based on this evidence we have classified this variant as Pathogenic.

Dan Cohn Lab, University Of California Los Angeles
Classification: Pathogenic for Asphyxiating thoracic dystrophy. Last evaluated: 2017-06-01. Review status: no assertion criteria provided. Collection method: research. Allele origin: paternal. Affected: yes. Not counted in ClinVar's aggregate classification.

Dr. Peter K. Rogan Lab, Western University
No classification provided (evidence only). Condition: Acute myeloid leukemia. Review status: no classification provided. Collection method: in vitro. Allele origin: not applicable. Functional consequence: retained intron. Not counted in ClinVar's aggregate classification.

University of Washington Center for Mendelian Genomics, University of Washington
Classification: Likely pathogenic for asphyxiating thoracic dystrophy. Review status: no assertion criteria provided. Collection method: research. Allele origin: inherited. Affected: yes. Not counted in ClinVar's aggregate classification.

Literature cited by the submitters: PubMed 16199547 (cited by Labcorp Genetics (formerly Invitae), Labcorp); PubMed 22503633 (cited by Labcorp Genetics (formerly Invitae), Labcorp and Ocular Genomics Institute, Massachusetts Eye and Ear); PubMed 23418020 (cited by Labcorp Genetics (formerly Invitae), Labcorp and Ocular Genomics Institute, Massachusetts Eye and Ear); PubMed 24009529 (cited by Labcorp Genetics (formerly Invitae), Labcorp and Ocular Genomics Institute, Massachusetts Eye and Ear); PubMed 26216056 (cited by Labcorp Genetics (formerly Invitae), Labcorp and Ocular Genomics Institute, Massachusetts Eye and Ear); PubMed 29068549 (cited by 6 submitters); PubMed 34429528 (cited by Ambry Genetics and Women's Health and Genetics/Laboratory Corporation of America, LabCorp); PubMed 34890546 (cited by Ambry Genetics and Women's Health and Genetics/Laboratory Corporation of America, LabCorp); PubMed 37794564 (cited by Ambry Genetics); PubMed 39136524 (cited by Ambry Genetics); PubMed 39732359 (cited by Ambry Genetics).

NM_014714.4(IFT140):c.1010-1G>A

Genes: IFT140 (intraflagellar transport 140; minus strand), LOC105371046 (uncharacterized LOC105371046; plus strand). Cytogenetic location: 16p13.3.
Variant type: single nucleotide variant.
Coding change: c.1010-1G>A on transcript NM_014714.4 (MANE Select); the canonical splice acceptor site of the intron before coding-DNA position 1010, G replaced by A.
Molecular consequence: splice acceptor variant.
Genome position (GRCh38, 1-based): chr16:1,586,276, C>T on the plus strand (G>A on the coding strand, the complement: IFT140 is on the minus strand). VCF-style: chr16-1586276-C-T. GRCh37 (hg19) VCF-style: chr16-1636277-C-T.
Identifiers: ClinVar variation 280884 (VCV000280884.20), dbSNP rs770185023, ClinGen allele CA7814454.